The following is an entry in ClinVar:

ClinVar aggregate classification (germline): Uncertain significance. Review status: criteria provided, multiple submitters, no conflicts (2 of 4 stars). 3 submissions from 3 submitters: Uncertain significance (3). Last evaluated 2026-06-26.

Conditions:
Inborn genetic diseases. Identifiers: MedGen C0950123, MeSH D030342.
Fanconi anemia complementation group A (FANCA). Also called: Fanconi anemia, group A; FANCA-Related Fanconi Anemia. Identifiers: Orphanet 84, MedGen C3469521, MONDO:0009215, OMIM 227650.
Fanconi anemia (FA). Also called: Fanconi's anemia. Identifiers: Orphanet 84, MedGen C0015625, MeSH D005199, MONDO:0019391.

Allele frequency attached by ClinVar (database versions not stated): gnomAD exomes below 0.00001; ExAC 0.00001.

Submissions (3):

Ambry Genetics
Classification: Uncertain significance for Inborn genetic diseases. Last evaluated: 2026-06-26. Review status: criteria provided, single submitter. Criteria: Ambry Variant Classification Scheme 2023. Collection method: clinical testing. Allele origin: germline.
Comment: The p.P808A variant (also known as c.2422C>G), located in coding exon 26 of the FANCA gene, results from a C to G substitution at nucleotide position 2422. The proline at codon 808 is replaced by alanine, an amino acid with highly similar properties. This amino acid position is conserved. In addition, this alteration is predicted to be tolerated by in silico analysis. Based on the available evidence, the clinical significance of this variant remains unclear.

Laboratorio de Genetica e Diagnostico Molecular, Hospital Israelita Albert Einstein
Classification: Uncertain significance for Fanconi anemia complementation group A. Last evaluated: 2023-12-15. Review status: criteria provided, single submitter. Criteria: ACMG Guidelines, 2015. Collection method: clinical testing. Allele origin: germline. Affected: yes.
Comment: ACMG classification criteria: PM2 supporting, BP4 supporting

Labcorp Genetics (formerly Invitae), Labcorp
Classification: Uncertain significance for Fanconi anemia. Last evaluated: 2021-11-10. Review status: criteria provided, single submitter. Criteria: Invitae Variant Classification Sherloc (09022015). Collection method: clinical testing. Allele origin: germline.
Comment: This sequence change replaces proline, which is neutral and non-polar, with alanine, which is neutral and non-polar, at codon 808 of the FANCA protein (p.Pro808Ala). This variant is present in population databases (rs772367440, gnomAD 0.003%). In summary, the available evidence is currently insufficient to determine the role of this variant in disease. Therefore, it has been classified as a Variant of Uncertain Significance. Algorithms developed to predict the effect of sequence changes on RNA splicing suggest that this variant may create or strengthen a splice site. Advanced modeling of protein sequence and biophysical properties (such as structural, functional, and spatial information, amino acid conservation, physicochemical variation, residue mobility, and thermodynamic stability) performed at Invitae indicates that this missense variant is not expected to disrupt FANCA protein function. This variant has not been reported in the literature in individuals affected with FANCA-related conditions.

NM_000135.4(FANCA):c.2422C>G (p.Pro808Ala)

Gene: FANCA (FA complementation group A; minus strand). Cytogenetic location: 16q24.3.
Variant type: single nucleotide variant.
Coding change: c.2422C>G on transcript NM_000135.4 (MANE Select); coding-DNA position 2422, C replaced by G.
Protein change: p.Pro808Ala; replaces proline 808 with alanine.
Molecular consequence: missense variant.
Genome position (GRCh38, 1-based): chr16:89,769,919, G>C on the plus strand (C>G on the coding strand, the complement: FANCA is on the minus strand). VCF-style: chr16-89769919-G-C. GRCh37 (hg19) VCF-style: chr16-89836327-G-C.
Other names: c.2422C>G, p.Pro808Ala (NM_001286167.3); c.2422C>G (NM_000135.2); short protein forms P808A.
Identifiers: ClinVar variation 1371740 (VCV001371740.8), dbSNP rs772367440, ClinGen allele CA8251730.